The following is an entry in ClinVar:

NM_001972.4(ELANE):c.189C>A (p.Asn63Lys)

Gene: ELANE (elastase, neutrophil expressed; plus strand). Cytogenetic location: 19p13.3.
Variant type: single nucleotide variant.
Coding change: c.189C>A on transcript NM_001972.4 (MANE Select); coding-DNA position 189, C replaced by A.
Protein change: p.Asn63Lys; replaces asparagine 63 with lysine.
Molecular consequence: missense variant.
Genome position (GRCh38, 1-based): chr19:852,997, C>A. VCF-style: chr19-852997-C-A. GRCh37 (hg19) VCF-style: chr19-852997-C-A.
Other names: c.189C>A (NM_001972.2); short protein forms N63K.
Identifiers: ClinVar variation 1381036 (VCV001381036.9), dbSNP rs2145144214, ClinGen allele CA402914803.

ClinVar aggregate classification (germline): Uncertain significance. Review status: criteria provided, multiple submitters, no conflicts (2 of 4 stars). 2 submissions from 2 submitters: Uncertain significance (2). Last evaluated 2026-05-14.

Conditions:
Cyclical neutropenia. Also called: Cyclic hematopoiesis; Cyclic Neutropenia. Identifiers: Orphanet 2686, MedGen C0221023, MONDO:0008090, OMIM 162800, HP:0040289. Disease mechanism: loss of function.
Neutropenia, severe congenital, 1, autosomal dominant. Identifiers: MedGen C1859966, MONDO:0042490, OMIM 202700.
Inborn genetic diseases. Identifiers: MedGen C0950123, MeSH D030342.

Submissions (2):

Ambry Genetics
Classification: Uncertain significance for Inborn genetic diseases. Last evaluated: 2026-05-14. Review status: criteria provided, single submitter. Criteria: Ambry Variant Classification Scheme 2023. Collection method: clinical testing. Allele origin: germline.
Comment: The p.N63K variant (also known as c.189C>A), located in coding exon 2 of the ELANE gene, results from a C to A substitution at nucleotide position 189. The asparagine at codon 63 is replaced by lysine, an amino acid with similar properties. This amino acid position is conserved. In addition, this alteration is predicted to be tolerated by in silico analysis. Based on the available evidence, the clinical significance of this variant remains unclear.

Labcorp Genetics (formerly Invitae), Labcorp
Classification: Uncertain significance for Neutropenia, severe congenital, 1, autosomal dominant; Cyclical neutropenia. Last evaluated: 2023-08-10. Review status: criteria provided, single submitter. Criteria: Invitae Variant Classification Sherloc (09022015). Collection method: clinical testing. Allele origin: germline.
Comment: This sequence change replaces asparagine, which is neutral and polar, with lysine, which is basic and polar, at codon 63 of the ELANE protein (p.Asn63Lys). This variant is not present in population databases (gnomAD no frequency). This variant has not been reported in the literature in individuals affected with ELANE-related conditions. ClinVar contains an entry for this variant (Variation ID: 1381036). Advanced modeling of protein sequence and biophysical properties (such as structural, functional, and spatial information, amino acid conservation, physicochemical variation, residue mobility, and thermodynamic stability) has been performed at Invitae for this missense variant, however the output from this modeling did not meet the statistical confidence thresholds required to predict the impact of this variant on ELANE protein function. In summary, the available evidence is currently insufficient to determine the role of this variant in disease. Therefore, it has been classified as a Variant of Uncertain Significance.